The following is an entry in ClinVar:

ClinVar aggregate classification (germline): Uncertain significance (1 of 4 stars; one submission).

Conditions:
Vici syndrome (VICIS). Identifiers: Orphanet 1493, MedGen C1855772, MONDO:0009452, OMIM 242840.

Allele frequency attached by ClinVar (database versions not stated): gnomAD 0.00003 and 0.00004; gnomAD exomes 0.00003 and 0.00006; TOPMed 0.00003; ExAC 0.00005; ESP Exome Variant Server 0.00008.
gnomAD v4.1: 47 of 1,614,178 alleles (0.0029%); highest among the groups gnomAD compares: Admixed American, 0.023%; no homozygotes.

Submission:

Labcorp Genetics (formerly Invitae), Labcorp
Classification: Uncertain significance for Vici syndrome. Last evaluated: 2022-11-01. Review status: criteria provided, single submitter. Criteria: Invitae Variant Classification Sherloc (09022015). Collection method: clinical testing. Allele origin: germline.
Comment: This sequence change replaces alanine, which is neutral and non-polar, with threonine, which is neutral and polar, at codon 2280 of the EPG5 protein (p.Ala2280Thr). This variant is present in population databases (rs373340664, gnomAD 0.02%). This variant has not been reported in the literature in individuals affected with EPG5-related conditions. ClinVar contains an entry for this variant (Variation ID: 1363322). Advanced modeling of protein sequence and biophysical properties (such as structural, functional, and spatial information, amino acid conservation, physicochemical variation, residue mobility, and thermodynamic stability) performed at Invitae indicates that this missense variant is not expected to disrupt EPG5 protein function. In summary, the available evidence is currently insufficient to determine the role of this variant in disease. Therefore, it has been classified as a Variant of Uncertain Significance.

NM_020964.3(EPG5):c.6838G>A (p.Ala2280Thr)

Gene: EPG5 (ectopic P-granules 5 autophagy tethering factor; minus strand). Cytogenetic location: 18q12.3.
Variant type: single nucleotide variant.
Coding change: c.6838G>A on transcript NM_020964.3 (MANE Select); coding-DNA position 6838, G replaced by A.
Protein change: p.Ala2280Thr; replaces alanine 2280 with threonine.
Molecular consequence: missense variant.
Genome position (GRCh38, 1-based): chr18:45,860,275, C>T on the plus strand (G>A on the coding strand, the complement: EPG5 is on the minus strand). VCF-style: chr18-45860275-C-T. GRCh37 (hg19) VCF-style: chr18-43440240-C-T.
Other names: short protein forms A2280T.
Identifiers: ClinVar variation 1363322 (VCV001363322.4), dbSNP rs373340664, ClinGen allele CA8948134.